The following is an entry in ClinVar:

ClinVar aggregate classification (germline): Uncertain significance (1 of 4 stars; one submission).

Conditions:
PEX1-related disorder. Also called: PEX1-related condition.

gnomAD v4.1: 6 of 1,580,128 alleles (0.00038%); highest among the groups gnomAD compares: Admixed American, 0.011%; no homozygotes.

Submission:

PreventionGenetics, part of Exact Sciences
Classification: Uncertain significance for PEX1-related condition. Last evaluated: 2025-10-13. Review status: criteria provided, single submitter. Criteria: ACMG Guidelines, 2015. Collection method: clinical testing. Allele origin: germline.
Comment: The PEX1 c.739A>G variant is predicted to result in the amino acid substitution p.Thr247Ala. To our knowledge, this variant has not been reported in the literature. This variant is reported in 0.016% of alleles in individuals of Latino descent in gnomAD. At this time, the clinical significance of this variant is uncertain due to the absence of conclusive functional and genetic evidence.

NM_000466.3(PEX1):c.739A>G (p.Thr247Ala)

Gene: PEX1 (peroxisomal biogenesis factor 1; minus strand). Cytogenetic location: 7q21.2.
Variant type: single nucleotide variant.
Coding change: c.739A>G on transcript NM_000466.3 (MANE Select); coding-DNA position 739, A replaced by G.
Protein change: p.Thr247Ala; replaces threonine 247 with alanine.
Molecular consequence: missense variant.
Genome position (GRCh38, 1-based): chr7:92,517,776, T>C on the plus strand (A>G on the coding strand, the complement: PEX1 is on the minus strand). VCF-style: chr7-92517776-T-C. GRCh37 (hg19) VCF-style: chr7-92147090-T-C.
Other names: c.739A>G, p.Thr247Ala (NM_001282677.2); c.115A>G, p.Thr39Ala (NM_001282678.2); short protein forms T247A, T39A.
Identifiers: ClinVar variation 4980345 (VCV004980345.1).
Genomic context (GRCh38, chr7:92,517,776, plus strand): 5'-AACCCCAAGATGTCTCTTGTTTCTTCTCAGATTGAAAGGAAAAAATGCTTCCTATCATAG[T>C]CCATAAACTTGCTACTGATGATGAGTCAACTGGAATCTCTGACTCGTTTTCATTAGATTC-3'
Protein context (NP_000457.1, residues 237-257): VDSSSVASLW[Thr247Ala]MIGSIFSFQS